The following is an entry in ClinVar:

ClinVar aggregate classification (germline): Uncertain significance. Review status: criteria provided, multiple submitters, no conflicts (2 of 4 stars). 2 submissions from 2 submitters: Uncertain significance (2). Last evaluated 2023-08-02.

Conditions:
Peutz-Jeghers syndrome (PJS). Also called: POLYPOSIS, HAMARTOMATOUS INTESTINAL; POLYPS-AND-SPOTS SYNDROME; Peutz-Jeghers polyposis; Periorificial lentiginosis syndrome. Identifiers: Orphanet 2869, MedGen C0031269, MeSH D010580, MONDO:0008280, OMIM 175200.

Submissions (2):

Labcorp Genetics (formerly Invitae), Labcorp
Classification: Uncertain significance for Peutz-Jeghers syndrome. Last evaluated: 2023-08-02. Review status: criteria provided, single submitter. Criteria: Invitae Variant Classification Sherloc (09022015). Collection method: clinical testing. Allele origin: germline.
Comment: In summary, the available evidence is currently insufficient to determine the role of this variant in disease. Therefore, it has been classified as a Variant of Uncertain Significance. This sequence change replaces valine, which is neutral and non-polar, with alanine, which is neutral and non-polar, at codon 63 of the STK11 protein (p.Val63Ala). This variant is not present in population databases (gnomAD no frequency). This variant has not been reported in the literature in individuals affected with STK11-related conditions. ClinVar contains an entry for this variant (Variation ID: 584981). Advanced modeling of protein sequence and biophysical properties (such as structural, functional, and spatial information, amino acid conservation, physicochemical variation, residue mobility, and thermodynamic stability) performed at Invitae indicates that this missense variant is expected to disrupt STK11 protein function.

Mendelics
Classification: Uncertain significance for Peutz-Jeghers syndrome. Last evaluated: 2018-07-02. Review status: criteria provided, single submitter. Criteria: Mendelics Assertion Criteria 2017. Collection method: clinical testing. Allele origin: unknown.

NM_000455.5(STK11):c.188T>C (p.Val63Ala)

Gene: STK11 (serine/threonine kinase 11; plus strand). Cytogenetic location: 19p13.3.
Variant type: single nucleotide variant.
Coding change: c.188T>C on transcript NM_000455.5 (MANE Select); coding-DNA position 188, T replaced by C.
Protein change: p.Val63Ala; replaces valine 63 with alanine.
Molecular consequence: missense variant.
Genome position (GRCh38, 1-based): chr19:1,207,101, T>C. VCF-style: chr19-1207101-T-C. GRCh37 (hg19) VCF-style: chr19-1207100-T-C.
Other names: short protein forms V63A.
Identifiers: ClinVar variation 584981 (VCV000584981.5), dbSNP rs1568690276, ClinGen allele CA402944244.
Genomic context (GRCh38, chr19:1,207,101, plus strand): 5'-CCAAGCTCATCGGCAAGTACCTGATGGGGGACCTGCTGGGGGAAGGCTCTTACGGCAAGG[T>C]GAAGGAGGTGCTGGACTCGGAGACGCTGTGCAGGAGGGCCGTCAAGATCCTCAAGAAGAA-3'
Protein context (NP_000446.1, residues 53-73): DLLGEGSYGK[Val63Ala]KEVLDSETLC